The following is an entry in ClinVar:

ClinVar aggregate classification (germline): Uncertain significance (1 of 4 stars; one submission).

gnomAD v4.1: 8 of 1,612,946 alleles (0.0005%); highest among the groups gnomAD compares: Non-Finnish European, 0.00068%; no homozygotes.

Submission:

Women's Health and Genetics/Laboratory Corporation of America, LabCorp
Classification: Uncertain significance. Last evaluated: 2025-12-09. Review status: criteria provided, single submitter. Criteria: LabCorp Variant Classification Summary - May 2015. Collection method: clinical testing. Allele origin: germline.
Comment: Variant summary: AEBP1 c.1192A>G (p.Asn398Asp) results in a conservative amino acid change in the encoded protein sequence. Algorithms developed to predict the effect of missense changes on protein structure and function all suggest that this variant is likely to be tolerated. The variant allele was found at a frequency of 4e-06 in 250382 control chromosomes. The available data on variant occurrences in the general population are insufficient to allow any conclusion about variant significance. To our knowledge, no occurrence of c.1192A>G in individuals affected with AEBP1-related conditions and no experimental evidence demonstrating its impact on protein function have been reported. No submitters have cited clinical-significance assessments for this variant to ClinVar. Based on the evidence outlined above, the variant was classified as uncertain significance.

NM_001129.5(AEBP1):c.1192A>G (p.Asn398Asp)

Gene: AEBP1 (AE binding protein 1; plus strand). Cytogenetic location: 7p13.
Variant type: single nucleotide variant.
Coding change: c.1192A>G on transcript NM_001129.5 (MANE Select); coding-DNA position 1192, A replaced by G.
Protein change: p.Asn398Asp; replaces asparagine 398 with aspartic acid.
Molecular consequence: missense variant.
Genome position (GRCh38, 1-based): chr7:44,110,056, A>G. VCF-style: chr7-44110056-A-G. GRCh37 (hg19) VCF-style: chr7-44149655-A-G.
Other names: short protein forms N398D.
Identifiers: ClinVar variation 4688472 (VCV004688472.1).